The following is an entry in ClinVar:

NM_017617.5(NOTCH1):c.6340G>A (p.Asp2114Asn)

Gene: NOTCH1 (notch receptor 1; minus strand). Cytogenetic location: 9q34.3.
Variant type: single nucleotide variant.
Coding change: c.6340G>A on transcript NM_017617.5 (MANE Select); coding-DNA position 6340, G replaced by A.
Protein change: p.Asp2114Asn; replaces aspartic acid 2114 with asparagine.
Molecular consequence: missense variant.
Genome position (GRCh38, 1-based): chr9:136,497,399, C>T on the plus strand (G>A on the coding strand, the complement: NOTCH1 is on the minus strand). VCF-style: chr9-136497399-C-T. GRCh37 (hg19) VCF-style: chr9-139391851-C-T.
Other names: short protein forms D2114N.
Identifiers: ClinVar variation 5025791 (VCV005025791.1).
Genomic context (GRCh38, chr9:136,497,399, plus strand): 5'-TGGGCGTGCCCCCCAGCGGGGCTCCGTGCAGCTGCGGGCTGCGCACCAGGTTGTACTCGT[C>T]CAGCAGCCTCACGATGTCGTGATGCATGCGCTCCTGTGCGATGTCGCGCGGCAGGCGGTC-3'
Protein context (NP_060087.3, residues 2104-2124): RMHHDIVRLL[Asp2114Asn]EYNLVRSPQL

ClinVar aggregate classification (germline): Uncertain significance (1 of 4 stars; one submission).

Conditions:
Familial thoracic aortic aneurysm and aortic dissection (TAAD). Also called: Thoracic aortic aneurysms and dissections. Identifiers: Orphanet 91387, MedGen C4707243, MONDO:0019625.

Submission:

Ambry Genetics
Classification: Uncertain significance for Familial thoracic aortic aneurysm and aortic dissection. Last evaluated: 2026-06-17. Review status: criteria provided, single submitter. Criteria: Ambry Variant Classification Scheme 2023. Collection method: clinical testing. Allele origin: germline.
Comment: The p.D2114N variant (also known as c.6340G>A), located in coding exon 34 of the NOTCH1 gene, results from a G to A substitution at nucleotide position 6340. The aspartic acid at codon 2114 is replaced by asparagine, an amino acid with highly similar properties. This variant was reported in an individual with tetralogy of Fallot (Sierant MC et al. Proc Natl Acad Sci U S A, 2025 Apr;122:e2420343122). This amino acid position is highly conserved in available vertebrate species. In addition, this alteration is predicted to be tolerated by in silico analysis. Based on the available evidence, the clinical significance of this variant remains unclear.

Literature cited by the submitters: PubMed 40127276.